The following is an entry in ClinVar:

NM_001134831.2(AHI1):c.1326del (p.Val443fs)

Gene: AHI1 (Abelson helper integration site 1; minus strand). Cytogenetic location: 6q23.3.
Variant type: Deletion.
Coding change: c.1326del on transcript NM_001134831.2 (MANE Select); coding-DNA position 1326, one base deleted (A; older notation c.1326delA).
Protein change: p.Val443fs; shifts the reading frame from valine 443.
Molecular consequence: frameshift variant.
Genome position (GRCh38, 1-based): chr6:135,455,752, T deleted on the plus strand (A on the coding strand, the reverse complement: AHI1 is on the minus strand); the first of 3 consecutive T bases (chr6:135,455,752-135,455,754); deleting any one gives the same sequence. VCF-style (leftmost placement, unchanged base first): chr6-135455751-CT-C. GRCh37 (hg19) VCF-style: chr6-135776889-CT-C.
Other names: c.1326del, p.Val443fs (NM_001134830.2, NM_001134832.2, NM_001350503.2 and 2 more transcripts); c.1326delA (NM_001134830.1); short protein forms V443fs.
Identifiers: ClinVar variation 917913 (VCV000917913.2), dbSNP rs1788834778, ClinGen allele CA1139659835.

ClinVar aggregate classification (germline): Pathogenic. Review status: criteria provided, single submitter (1 of 4 stars). 2 submissions from 2 submitters: Pathogenic (1). 1 of the submissions does not count toward it. Last evaluated 2023-02-23.

Conditions:
Joubert syndrome 3 (JBTS3). Also called: AHI1-related Ciliopathy. Identifiers: Orphanet 220493, MedGen C1837713, MONDO:0012078, OMIM 608629.

Submissions (2):

3billion
Classification: Pathogenic for Joubert syndrome 3. Last evaluated: 2023-02-23. Review status: criteria provided, single submitter. Criteria: ACMG Guidelines, 2015. Collection method: clinical testing. Allele origin: unknown. Affected: yes.
Comment: The variant is not observed in the gnomAD v2.1.1 dataset. This variant was predicted to result in a loss or disruption of normal protein function through nonsense-mediated decay (NMD) or protein truncation. Multiple pathogenic variants are reported downstream of the variant. The variant has been reported to be in trans with a pathogenic variant as either compound heterozygous or homozygous in at least one similarly affected unrelated individual (PMID: 31130284 / EPF22-WINN). The variant has been reported to be associated with AHI1 related disorder (ClinVar ID: VCV000917913 / PMID: 31130284). Therefore, this variant is classified as Pathogenic according to the recommendation of ACMG/AMP guideline.

Genomic Medicine Center of Excellence, King Faisal Specialist Hospital and Research Centre
Classification: Pathogenic for Joubert syndrome 3. Review status: no assertion criteria provided. Collection method: research. Allele origin: germline. Affected: yes. Not counted in ClinVar's aggregate classification.

Literature cited by the submitters: PubMed 31130284 (cited by 3billion).